The following is an entry in ClinVar:

ClinVar aggregate classification (germline): Uncertain significance (1 of 4 stars; one submission).

Submission:

Labcorp Genetics (formerly Invitae), Labcorp
Classification: Uncertain significance. Last evaluated: 2024-10-19. Review status: criteria provided, single submitter. Criteria: Invitae Variant Classification Sherloc (09022015). Collection method: clinical testing. Allele origin: germline.
Comment: This sequence change replaces alanine, which is neutral and non-polar, with valine, which is neutral and non-polar, at codon 488 of the TOPORS protein (p.Ala488Val). This variant is not present in population databases (gnomAD no frequency). This variant has not been reported in the literature in individuals affected with TOPORS-related conditions. An algorithm developed to predict the effect of missense changes on protein structure and function (PolyPhen-2) suggests that this variant is likely to be disruptive. In summary, the available evidence is currently insufficient to determine the role of this variant in disease. Therefore, it has been classified as a Variant of Uncertain Significance.

NM_005802.5(TOPORS):c.1463C>T (p.Ala488Val)

Gene: TOPORS (TOP1 binding arginine/serine rich protein, E3 ubiquitin ligase; minus strand). Cytogenetic location: 9p21.1.
Variant type: single nucleotide variant.
Coding change: c.1463C>T on transcript NM_005802.5 (MANE Select); coding-DNA position 1463, C replaced by T.
Protein change: p.Ala488Val; replaces alanine 488 with valine.
Molecular consequence: missense variant.
Genome position (GRCh38, 1-based): chr9:32,543,062, G>A on the plus strand (C>T on the coding strand, the complement: TOPORS is on the minus strand). VCF-style: chr9-32543062-G-A. GRCh37 (hg19) VCF-style: chr9-32543060-G-A.
Other names: c.1268C>T, p.Ala423Val (NM_001195622.2); short protein forms A423V, A488V.
Identifiers: ClinVar variation 3723286 (VCV003723286.2).